The following is an entry in ClinVar:

ClinVar aggregate classification (germline): Pathogenic. Review status: criteria provided, multiple submitters, no conflicts (2 of 4 stars). 4 submissions from 4 submitters: Pathogenic (3). 1 of the submissions does not count toward it. Last evaluated 2025-04-11.

Conditions:
Hyperornithinemia-hyperammonemia-homocitrullinuria syndrome (HHHS). Also called: Ornithine translocase deficiency; HHH SYNDROME. Identifiers: Orphanet 415, MedGen C0268540, MONDO:0009393, OMIM 238970.

Submissions (4):

Natera, Inc.
Classification: Pathogenic for Hyperornithinemia-hyperammonemia-homocitrullinuria syndrome. Last evaluated: 2025-04-11. Review status: criteria provided, single submitter. Criteria: Natera Variant Classification Schema (03/2026). Collection method: clinical testing. Allele origin: germline.
Comment: The c.446delG variant in SLC25A15 is a frameshift variant predicted to shift the reading frame beginning at codon 149 and leads to a stop codon 45 codons downstream. This variant is expected to result in nonsense mediated decay, truncation, or a dysfunctional protein product. This variant is rare in the general population with a frequency below the threshold expected for the associated phenotype(s). This variant has been observed in one or more individuals affected with the associated recessive disease, as either homozygous or compound heterozygous with a second variant (PMID: 36506307, 14759633). Given the available evidence, this variant is classified as Pathogenic.

Labcorp Genetics (formerly Invitae), Labcorp
Classification: Pathogenic for Hyperornithinemia-hyperammonemia-homocitrullinuria syndrome. Last evaluated: 2023-03-18. Review status: criteria provided, single submitter. Criteria: Invitae Variant Classification Sherloc (09022015). Collection method: clinical testing. Allele origin: germline.
Comment: For these reasons, this variant has been classified as Pathogenic. ClinVar contains an entry for this variant (Variation ID: 567983). This premature translational stop signal has been observed in individuals with hyperornithinemia–hyperammonemia– homocitrullinuria syndrome (PMID: 14759633). This variant is not present in population databases (gnomAD no frequency). This sequence change creates a premature translational stop signal (p.Ser149Thrfs*45) in the SLC25A15 gene. It is expected to result in an absent or disrupted protein product. Loss-of-function variants in SLC25A15 are known to be pathogenic (PMID: 11552031, 19242930).

Revvity Omics, Revvity
Classification: Pathogenic for Hyperornithinemia-hyperammonemia-homocitrullinuria syndrome. Last evaluated: 2022-08-03. Review status: criteria provided, single submitter. Criteria: ACMG Guidelines, 2015. Collection method: clinical testing. Allele origin: germline.

Section for Clinical Neurogenetics, University of Tübingen
Classification: Likely pathogenic for Hyperornithinemia-hyperammonemia-homocitrullinuria syndrome. Last evaluated: 2019-08-01. Review status: no assertion criteria provided. Collection method: research. Allele origin: germline. Affected: yes. Not counted in ClinVar's aggregate classification.

Literature cited by the submitters: PubMed 36506307 (cited by Natera, Inc.); PubMed 14759633 (cited by Natera, Inc. and Labcorp Genetics (formerly Invitae), Labcorp); PubMed 11552031 (cited by Labcorp Genetics (formerly Invitae), Labcorp); PubMed 19242930 (cited by Labcorp Genetics (formerly Invitae), Labcorp); PubMed 32214227 (cited by Section for Clinical Neurogenetics, University of Tübingen).

NM_014252.4(SLC25A15):c.446del (p.Ser149fs)

Gene: SLC25A15 (solute carrier family 25 member 15; plus strand). Cytogenetic location: 13q14.11.
Variant type: Deletion.
Coding change: c.446del on transcript NM_014252.4 (MANE Select); coding-DNA position 446, one base deleted (G; older notation c.446delG).
Protein change: p.Ser149fs; shifts the reading frame from serine 149.
Molecular consequence: frameshift variant.
Genome position (GRCh38, 1-based): chr13:40,805,249, G deleted. VCF-style (leftmost placement, unchanged base first): chr13-40805248-AG-A. GRCh37 (hg19) VCF-style: chr13-41379384-AG-A.
Other names: c.446delG (NM_014252.4); short protein forms S149fs.
Identifiers: ClinVar variation 567983 (VCV000567983.12), dbSNP rs1566123619, ClinGen allele CA891844533.